The following is an entry in ClinVar:

NM_001267550.2(TTN):c.33331G>A (p.Ala11111Thr)

Gene: TTN (titin; minus strand). Cytogenetic location: 2q31.2.
Variant type: single nucleotide variant.
Coding change: c.33331G>A on transcript NM_001267550.2 (MANE Select); coding-DNA position 33331, G replaced by A.
Protein change: p.Ala11111Thr; replaces alanine 11111 with threonine.
Molecular consequence: missense variant. On other transcripts: intron variant (3).
Genome position (GRCh38, 1-based): chr2:178,681,088, C>T on the plus strand (G>A on the coding strand, the complement: TTN is on the minus strand). VCF-style: chr2-178681088-C-T. GRCh37 (hg19) VCF-style: chr2-179545815-C-T.
Other names: c.32380G>A, p.Ala10794Thr (NM_001256850.1); c.29599G>A, p.Ala9867Thr (NM_133378.4); c.13283-38771G>A (NM_003319.4); c.13859-38771G>A (NM_133437.4); c.13658-38771G>A (NM_133432.3); short protein forms A11111T, A10794T, A9867T.
Identifiers: ClinVar variation 467028 (VCV000467028.7), dbSNP rs545067681, ClinGen allele CA1998386.
Genomic context (GRCh38, chr2:178,681,088, plus strand): 5'-TTCAAAAGAGGCATCAGAAAAGATCACAATCGAGGAAGGAAATCATTATACCTTTAGCAG[C>T]GGGTTCAGTCACCTGCTCTTTTTCACGTTTGGTAATTGAAATACGTATTTTTTCCTCAAA-3'
Protein context (NP_001254479.2, residues 11101-11121): KREKEQVTEP[Ala11111Thr]AKVPMKPKRV

ClinVar aggregate classification (germline): Conflicting classifications of pathogenicity. Review status: criteria provided, conflicting classifications (1 of 4 stars). 6 submissions from 2 submitters: Uncertain significance (4); Benign (2). Last evaluated 2018-01-13.

Conditions:
Myopathy, myofibrillar, 9, with early respiratory failure (MFM9). Also called: EDSTROM MYOPATHY; MYOPATHY, PROXIMAL, WITH EARLY RESPIRATORY MUSCLE INVOLVEMENT; Hereditary myopathy with early respiratory failure; Myopathy, distal, with early respiratory failure, autosomal dominant. Identifiers: Orphanet 178464, Orphanet 34521, MedGen C1863599, MONDO:0011362, OMIM 603689.
Tibial muscular dystrophy (TMD). Also called: UDD MYOPATHY; Tibial muscular dystrophy, tardive; Udd Distal Myopathy – Tibial Muscular Dystrophy. Identifiers: Orphanet 609, MedGen C1838244, MONDO:0010870, OMIM 600334.
Early-onset myopathy with fatal cardiomyopathy (CMYO5). Also called: Salih Myopathy; CONGENITAL MYOPATHY 5 WITH CARDIOMYOPATHY. Identifiers: Orphanet 289377, MedGen C2673677, MONDO:0012714, OMIM 611705. Disease mechanism: loss of function.
Autosomal recessive limb-girdle muscular dystrophy type 2J (LGMDR10). Also called: Limb-girdle muscular dystrophy, type 2J; MUSCULAR DYSTROPHY, LIMB-GIRDLE, AUTOSOMAL RECESSIVE 10. Identifiers: Orphanet 140922, MedGen C1837342, MONDO:0012127, OMIM 608807.
Dilated cardiomyopathy 1G (CMD1G). Identifiers: Orphanet 154, MedGen C1858763, MONDO:0011400, OMIM 604145.

Allele frequency attached by ClinVar (database versions not stated): gnomAD 0.00001 and 0.00003; TOPMed 0.00001; gnomAD exomes 0.00008; ExAC 0.00012; 1000 Genomes Project 30x 0.00016; 1000 Genomes Project 0.00020.
gnomAD v4.1: 91 of 1,599,896 alleles (0.0057%); highest among the groups gnomAD compares: South Asian, 0.04%; no homozygotes.

Submissions (6):

Illumina Laboratory Services, Illumina
Classification: Benign for Tibial muscular dystrophy. Last evaluated: 2018-01-13. Review status: criteria provided, single submitter. Criteria: ICSL Variant Classification Criteria 13 December 2019. Collection method: clinical testing. Allele origin: germline.
Comment: This variant was observed in the ICSL laboratory as part of a predisposition screen in an ostensibly healthy population. It had not been previously curated by ICSL or reported in the Human Gene Mutation Database (HGMD: prior to June 1st, 2018), and was therefore a candidate for classification through an automated scoring system. Utilizing variant allele frequency, disease prevalence and penetrance estimates, and inheritance mode, an automated score was calculated to assess if this variant is too frequent to cause the disease. Based on the score and internal cut-off values, a variant classified as benign is not then subjected to further curation. The score for this variant resulted in a classification of benign for this disease.

Illumina Laboratory Services, Illumina
Classification: Uncertain significance for Autosomal recessive limb-girdle muscular dystrophy type 2J. Last evaluated: 2018-01-13. Review status: criteria provided, single submitter. Criteria: ICSL Variant Classification Criteria 13 December 2019. Collection method: clinical testing. Allele origin: germline.

Illumina Laboratory Services, Illumina
Classification: Uncertain significance for Dilated cardiomyopathy 1G. Last evaluated: 2018-01-13. Review status: criteria provided, single submitter. Criteria: ICSL Variant Classification Criteria 13 December 2019. Collection method: clinical testing. Allele origin: germline.

Illumina Laboratory Services, Illumina
Classification: Benign for Myopathy, myofibrillar, 9, with early respiratory failure. Last evaluated: 2018-01-13. Review status: criteria provided, single submitter. Criteria: ICSL Variant Classification Criteria 13 December 2019. Collection method: clinical testing. Allele origin: germline.
Comment: the same text as in the submission from Illumina Laboratory Services, Illumina above.

Illumina Laboratory Services, Illumina
Classification: Uncertain significance for Early-onset myopathy with fatal cardiomyopathy. Last evaluated: 2018-01-13. Review status: criteria provided, single submitter. Criteria: ICSL Variant Classification Criteria 13 December 2019. Collection method: clinical testing. Allele origin: germline.

Labcorp Genetics (formerly Invitae), Labcorp
Classification: Uncertain significance for Dilated cardiomyopathy 1G; Autosomal recessive limb-girdle muscular dystrophy type 2J. Last evaluated: 2017-08-03. Review status: criteria provided, single submitter. Criteria: Invitae Variant Classification Sherloc (09022015). Collection method: clinical testing. Allele origin: germline.